The following is an entry in ClinVar:

NM_020988.3(GNAO1):c.620C>A (p.Ser207Tyr)

Gene: GNAO1 (G protein subunit alpha o1; plus strand). Cytogenetic location: 16q13.
Variant type: single nucleotide variant.
Coding change: c.620C>A on transcript NM_020988.3 (MANE Select); coding-DNA position 620, C replaced by A.
Protein change: p.Ser207Tyr; replaces serine 207 with tyrosine.
Molecular consequence: missense variant.
Genome position (GRCh38, 1-based): chr16:56,336,757, C>A. VCF-style: chr16-56336757-C-A. GRCh37 (hg19) VCF-style: chr16-56370669-C-A.
Other names: c.620C>A, p.Ser207Tyr (NM_138736.3); short protein forms S207Y.
Identifiers: ClinVar variation 373477 (VCV000373477.2), dbSNP rs1057518440, ClinGen allele CA16043017.

ClinVar aggregate classification (germline): Pathogenic (1 of 4 stars; one submission).

Submission:

GeneDx
Classification: Pathogenic. Last evaluated: 2016-12-12. Review status: criteria provided, single submitter. Criteria: GeneDx Variant Classification (06012015). Collection method: clinical testing. Allele origin: germline. Affected: yes.
Comment: The S207Y variant in the GNAO1 gene has not been reported previously as a pathogenic variant, nor as a benign variant, to our knowledge. The S207Y variant was not observed in approximately 6500 individuals of European and African American ancestry in the NHLBI Exome Sequencing Project, indicating it is not a common benign variant in these populations. The S207Y variant is a semi-conservative amino acid substitution, which may impact secondary protein structure as these residues differ in some properties. This substitution occurs at a position that is conserved across species. In silico analysis predicts this variant is probably damaging to the protein structure/function. Missense variants in nearby residues (G203R, R209C, R209H, R209L) have been reported in the Human Gene Mutation Database in association with epileptic encephalopathy, intellectual disability with movement disorder, and progressive movement disorder with hypotonia (Stenson et al., 2014), supporting the functional importance of this region of the protein. We interpret S207Y as a pathogenic variant.